The following is an entry in ClinVar:

ClinVar aggregate classification (germline): Pathogenic/Likely pathogenic. Review status: criteria provided, multiple submitters, no conflicts (2 of 4 stars). 2 submissions from 2 submitters: Pathogenic (1); Likely pathogenic (1). Last evaluated 2022-09-01.

Conditions:
Early-infantile DEE. Also called: Early infantile epileptic encephalopathy with suppression bursts; Ohtahara syndrome; Early infantile epileptic encephalopathy. Identifiers: Orphanet 1934, MedGen C0393706, MONDO:0800491.
Severe myoclonic epilepsy in infancy (DRVT). Also called: Epileptic encephalopathy, early infantile, 6 (Dravet syndrome); SEVERE MYOCLONIC EPILEPSY OF INFANCY; DEVELOPMENTAL AND EPILEPTIC ENCEPHALOPATHY 6A; Severe Myoclonic Epilepsy in Infancy (SMEI); Dravet syndrome. Identifiers: Orphanet 33069, MedGen C0751122, MONDO:0100135, OMIM 607208.

Submissions (2):

3billion
Classification: Likely pathogenic for Severe myoclonic epilepsy in infancy. Last evaluated: 2022-09-01. Review status: criteria provided, single submitter. Criteria: ACMG Guidelines, 2015. Collection method: clinical testing. Allele origin: germline. Affected: yes. Observed: 1 heterozygote.
Comment: The variant is not observed in the gnomAD v2.1.1 dataset. Missense changes are a common disease-causing mechanism. In silico tool predictions suggest damaging effect of the variant on gene or gene product (REVEL: 0.98; 3Cnet: 1.00). Same nucleotide change resulting in same amino acid change has been previously reported to be associated with SCN1A-related disorder (ClinVar ID: VCV001071939). Different missense changes at the same codon (p.Gly271Arg, p.Gly271Ser) have been reported to be associated with SCN1A-related disorder (ClinVar ID: VCV001418113 / PMID: 28202706 , 29745119). Therefore, this variant is classified as Likely pathogenic according to the recommendation of ACMG/AMP guideline.

Labcorp Genetics (formerly Invitae), Labcorp
Classification: Pathogenic for Early-infantile DEE. Last evaluated: 2020-10-12. Review status: criteria provided, single submitter. Criteria: Invitae Variant Classification Sherloc (09022015). Collection method: clinical testing. Allele origin: germline.
Comment: This variant disrupts the p.Gly271 amino acid residue in SCN1A. Other variant(s) that disrupt this residue have been observed in individuals with SCN1A-related conditions (PMID: 29745119, 28202706), which suggests that this may be a clinically significant amino acid residue. For these reasons, this variant has been classified as Pathogenic. Algorithms developed to predict the effect of missense changes on protein structure and function (SIFT, PolyPhen-2, Align-GVGD) all suggest that this variant is likely to be disruptive, but these predictions have not been confirmed by published functional studies and their clinical significance is uncertain. This variant has been observed in individual(s) with clinical features of SCN1A-related conditions (Invitae). In at least one individual the variant was observed to be de novo. This variant is not present in population databases (ExAC no frequency). This sequence change replaces glycine with valine at codon 271 of the SCN1A protein (p.Gly271Val). The glycine residue is highly conserved and there is a moderate physicochemical difference between glycine and valine.

Literature cited by the submitters: PubMed 29745119 (cited by 3billion and Labcorp Genetics (formerly Invitae), Labcorp); PubMed 28202706 (cited by 3billion and Labcorp Genetics (formerly Invitae), Labcorp).

NM_001165963.4(SCN1A):c.812G>T (p.Gly271Val)

Gene: SCN1A (sodium voltage-gated channel alpha subunit 1; minus strand). Cytogenetic location: 2q24.3.
Variant type: single nucleotide variant.
Coding change: c.812G>T on transcript NM_001165963.4 (MANE Select); coding-DNA position 812, G replaced by T.
Protein change: p.Gly271Val; replaces glycine 271 with valine.
Molecular consequence: missense variant. On other transcripts: 5 prime UTR variant (1), non-coding transcript variant (1).
Genome position (GRCh38, 1-based): chr2:166,051,871, C>A on the plus strand (G>T on the coding strand, the complement: SCN1A is on the minus strand). VCF-style: chr2-166051871-C-A. GRCh37 (hg19) VCF-style: chr2-166908381-C-A.
Other names: c.812G>T, p.Gly271Val (NM_001165964.3, NM_001202435.3, NM_001353948.2 and 10 more transcripts); c.-1614G>T (NM_001353961.2); short protein forms G271V.
Identifiers: ClinVar variation 1071939 (VCV001071939.11), dbSNP rs2105889854, ClinGen allele CA349073215.
Genomic context (GRCh38, chr2:166,051,871, plus strand): 5'-CTATGTTCCTCCAAGGAAGCATTGGTGGGAGGCCATTGTATACATTTATTCCTCAGGTTG[C>A]CCATGAACAGCTGCAGCCCAATTAGAGCAAATACGCTCAGACAGAACACAGTCAGGATCA-3'
Protein context (NP_001159435.1, residues 261-281): FALIGLQLFM[Gly271Val]NLRNKCIQWP